The following is an entry in ClinVar:

ClinVar aggregate classification (germline): Uncertain significance (1 of 4 stars; one submission).

Submission:

Labcorp Genetics (formerly Invitae), Labcorp
Classification: Uncertain significance. Last evaluated: 2025-12-22. Review status: criteria provided, single submitter. Criteria: Invitae Variant Classification Sherloc (09022015). Collection method: clinical testing. Allele origin: germline.
Comment: This sequence change replaces glutamic acid, which is acidic and polar, with alanine, which is neutral and non-polar, at codon 1176 of the VCAN protein (p.Glu1176Ala). This variant is not present in population databases (gnomAD no frequency). This variant has not been reported in the literature in individuals affected with VCAN-related conditions. An algorithm developed to predict the effect of missense changes on protein structure and function (PolyPhen-2) suggests that this variant is likely to be tolerated. In summary, the available evidence is currently insufficient to determine the role of this variant in disease. Therefore, it has been classified as a Variant of Uncertain Significance.

NM_004385.5(VCAN):c.3527A>C (p.Glu1176Ala)

Gene: VCAN (versican; plus strand). Cytogenetic location: 5q14.3.
Variant type: single nucleotide variant.
Coding change: c.3527A>C on transcript NM_004385.5 (MANE Select); coding-DNA position 3527, A replaced by C.
Protein change: p.Glu1176Ala; replaces glutamic acid 1176 with alanine.
Molecular consequence: missense variant. On other transcripts: intron variant (2).
Genome position (GRCh38, 1-based): chr5:83,521,833, A>C. VCF-style: chr5-83521833-A-C. GRCh37 (hg19) VCF-style: chr5-82817652-A-C.
Other names: c.3527A>C, p.Glu1176Ala (NM_001164098.2); c.1042+9437A>C (NM_001164097.2, NM_001126336.3); short protein forms E1176A.
Identifiers: ClinVar variation 4773906 (VCV004773906.1).